The following is an entry in ClinVar:

NM_152393.4(KLHL40):c.673C>T (p.Arg225Cys)

Gene: KLHL40 (kelch like family member 40; plus strand). Cytogenetic location: 3p22.1.
Variant type: single nucleotide variant.
Coding change: c.673C>T on transcript NM_152393.4 (MANE Select); coding-DNA position 673, C replaced by T.
Protein change: p.Arg225Cys; replaces arginine 225 with cysteine.
Molecular consequence: missense variant.
Genome position (GRCh38, 1-based): chr3:42,686,291, C>T. VCF-style: chr3-42686291-C-T. GRCh37 (hg19) VCF-style: chr3-42727783-C-T.
Other names: short protein forms R225C.
Identifiers: ClinVar variation 1357688 (VCV001357688.6), dbSNP rs1697271848, ClinGen allele CA352290388.
Genomic context (GRCh38, chr3:42,686,291, plus strand): 5'-GGCGACGCCGAGGCGCAGGCTGAGCGCCAGCGCGCGCTGCCCACCGTCTTCGAGAGCGTG[C>T]GCTGCCGCTTGCTGCCGCGCGCCTTTCTGGAAAGCCGCGTGGAGCGCCACCCTCTCGTGC-3'
Protein context (NP_689606.2, residues 215-235): RALPTVFESV[Arg225Cys]CRLLPRAFLE

ClinVar aggregate classification (germline): Uncertain significance (1 of 4 stars; one submission).

Conditions:
Nemaline myopathy 8 (NEM8). Also called: Nemaline myopathy 8, autosomal recessive. Identifiers: Orphanet 171430, MedGen C3809209, MONDO:0014138, OMIM 615348.

Submission:

Labcorp Genetics (formerly Invitae), Labcorp
Classification: Uncertain significance for Nemaline myopathy 8. Last evaluated: 2022-08-16. Review status: criteria provided, single submitter. Criteria: Invitae Variant Classification Sherloc (09022015). Collection method: clinical testing. Allele origin: germline.
Comment: This sequence change replaces arginine, which is basic and polar, with cysteine, which is neutral and slightly polar, at codon 225 of the KLHL40 protein (p.Arg225Cys). In summary, the available evidence is currently insufficient to determine the role of this variant in disease. Therefore, it has been classified as a Variant of Uncertain Significance. Algorithms developed to predict the effect of missense changes on protein structure and function (SIFT, PolyPhen-2, Align-GVGD) all suggest that this variant is likely to be disruptive. ClinVar contains an entry for this variant (Variation ID: 1357688). This variant has not been reported in the literature in individuals affected with KLHL40-related conditions. This variant is not present in population databases (gnomAD no frequency).